The following is an entry in ClinVar:

ClinVar aggregate classification (germline): Conflicting classifications of pathogenicity. Review status: criteria provided, conflicting classifications (1 of 4 stars). 3 submissions from 3 submitters: Uncertain significance (2); Likely benign (1). Last evaluated 2026-04-03.

Conditions:
Primary dilated cardiomyopathy (DCM). Also called: Dilated Cardiomyopathy. Identifiers: Orphanet 217604, MedGen C0007193, MeSH D002311, MONDO:0005021, HP:0001644. Inheritance: Various modes of inheritance.
Hypertrophic cardiomyopathy. Also called: HYPERTROPHIC MYOCARDIOPATHY. Identifiers: Orphanet 217569, MedGen C0007194, MeSH D002312, MONDO:0005045, HP:0001639.

Allele frequency attached by ClinVar (database versions not stated): TOPMed 0.00002; gnomAD 0.00004; gnomAD exomes 0.00004; ExAC 0.00012.

Submissions (3):

Women's Health and Genetics/Laboratory Corporation of America, LabCorp
Classification: Likely benign. Last evaluated: 2026-04-03. Review status: criteria provided, single submitter. Criteria: LabCorp Variant Classification Summary - May 2015. Collection method: clinical testing. Allele origin: germline.
Comment: Variant summary: PDLIM3 c.722G>A (p.Arg241Gln) results in a conservative amino acid change in the encoded protein sequence. Algorithms developed to predict the effect of missense changes on protein structure and function are either unavailable or do not agree on the potential impact of this missense change. The variant allele was found at a frequency of 8e-05 in 249650 control chromosomes, predominantly at a frequency of 0.00071 within the East Asian subpopulation in the gnomAD database. The observed variant frequency within East Asian control individuals in the gnomAD database exceeds the estimated maximal expected allele frequency for disease-causing variants in PDLIM3. c.722G>A has been observed in at least 1 individual(s) in an unknown state in a cohort with peripartum cardiomyopathy (example, Goli_2021) without strong evidence for causality. These report(s) do not provide unequivocal conclusions about association of the variant with Hypertrophic Cardiomyopathy. To our knowledge, no experimental evidence demonstrating an impact on protein function has been reported. ClinVar contains an entry for this variant (Variation ID: 1757807). Based on the evidence outlined above, the variant was classified as likely benign.

Labcorp Genetics (formerly Invitae), Labcorp
Classification: Uncertain significance for Hypertrophic cardiomyopathy; Primary dilated cardiomyopathy. Last evaluated: 2025-10-10. Review status: criteria provided, single submitter. Criteria: Invitae Variant Classification Sherloc (09022015). Collection method: clinical testing. Allele origin: germline.
Comment: This sequence change replaces arginine, which is basic and polar, with glutamine, which is neutral and polar, at codon 241 of the PDLIM3 protein (p.Arg241Gln). This variant is present in population databases (rs775988516, gnomAD 0.08%), and has an allele count higher than expected for a pathogenic variant. This variant has not been reported in the literature in individuals affected with PDLIM3-related conditions. ClinVar contains an entry for this variant (Variation ID: 1757807). Invitae Evidence Modeling of protein sequence and biophysical properties (such as structural, functional, and spatial information, amino acid conservation, physicochemical variation, residue mobility, and thermodynamic stability) indicates that this missense variant is not expected to disrupt PDLIM3 protein function with a negative predictive value of 80%. In summary, the available evidence is currently insufficient to determine the role of this variant in disease. Therefore, it has been classified as a Variant of Uncertain Significance.

Ambry Genetics
Classification: Uncertain significance. Last evaluated: 2022-03-25. Review status: criteria provided, single submitter. Criteria: Ambry Variant Classification Scheme 2023. Collection method: clinical testing. Allele origin: germline.
Comment: The p.R241Q variant (also known as c.722G>A), located in coding exon 6 of the PDLIM3 gene, results from a G to A substitution at nucleotide position 722. The arginine at codon 241 is replaced by glutamine, an amino acid with highly similar properties. This amino acid position is conserved. In addition, this alteration is predicted to be tolerated by in silico analysis. Since supporting evidence is limited at this time, the clinical significance of this alteration remains unclear.

Literature cited by the submitters: PubMed 33874732 (cited by Women's Health and Genetics/Laboratory Corporation of America, LabCorp).

NM_014476.6(PDLIM3):c.722G>A (p.Arg241Gln)

Gene: PDLIM3 (PDZ and LIM domain 3; minus strand). Cytogenetic location: 4q35.1.
Variant type: single nucleotide variant.
Coding change: c.722G>A on transcript NM_014476.6 (MANE Select); coding-DNA position 722, G replaced by A.
Protein change: p.Arg241Gln; replaces arginine 241 with glutamine.
Molecular consequence: missense variant. On other transcripts: non-coding transcript variant (1).
Genome position (GRCh38, 1-based): chr4:185,506,593, C>T on the plus strand (G>A on the coding strand, the complement: PDLIM3 is on the minus strand). VCF-style: chr4-185506593-C-T. GRCh37 (hg19) VCF-style: chr4-186427747-C-T.
Other names: c.578G>A, p.Arg193Gln (NM_001114107.5); c.458G>A, p.Arg153Gln (NM_001257962.2); c.221G>A, p.Arg74Gln (NM_001257963.2); short protein forms R241Q, R153Q, R193Q, R74Q.
Identifiers: ClinVar variation 1757807 (VCV001757807.8), dbSNP rs775988516, ClinGen allele CA3159712.
Genomic context (GRCh38, chr4:185,506,593, plus strand): 5'-TCCACCATTCCCTGGAGCACTCTGAAGGAGCCCGACTGGCGAGGCTGTGTGGGCTCATTC[C>T]GATTGTCGTGGAGCATCCGGTACACGTCCGACTCGGGGGGCACCGAGGCTGTGGGCTCGC-3'
Protein context (NP_055291.2, residues 231-251): SDVYRMLHDN[Arg241Gln]NEPTQPRQSG